The following is an entry in ClinVar:

NM_000492.4(CFTR):c.481T>G (p.Tyr161Asp)

Gene: CFTR (CF transmembrane conductance regulator; plus strand). Cytogenetic location: 7q31.2.
Variant type: single nucleotide variant.
Coding change: c.481T>G on transcript NM_000492.4 (MANE Select); coding-DNA position 481, T replaced by G.
Protein change: p.Tyr161Asp; replaces tyrosine 161 with aspartic acid.
Molecular consequence: missense variant.
Genome position (GRCh38, 1-based): chr7:117,531,106, T>G. VCF-style: chr7-117531106-T-G. GRCh37 (hg19) VCF-style: chr7-117171160-T-G.
Other names: short protein forms Y161D.
Identifiers: ClinVar variation 53965 (VCV000053965.5), dbSNP rs397508729, ClinGen allele CA327519.

ClinVar aggregate classification (germline): Pathogenic. Review status: reviewed by expert panel (3 of 4 stars). 5 submissions from 5 submitters: Pathogenic (1). 4 of the submissions do not count toward it. Last evaluated 2018-08-31.

Conditions:
CFTR-related disorder (CFTR-RD). Also called: CFTR-related disorders; CFTR-related condition. Identifiers: MedGen C5924204, MONDO:7770004.
Cystic fibrosis (CF). Also called: MUCOVISCIDOSIS. Identifiers: Orphanet 586, MedGen C0010674, MONDO:0009061, OMIM 219700. Disease mechanism: loss of function.

Submissions (5):

CFTR2
Classification: Pathogenic for Cystic fibrosis. Last evaluated: 2018-08-31. Review status: reviewed by expert panel. Criteria: Sosnay PR et al. (Nat Genet 2013). Collection method: research. Allele origin: germline. Affected: yes.

Natera, Inc.
Classification: Likely pathogenic for CFTR-related disorders. Last evaluated: 2025-03-28. Review status: criteria provided, single submitter. Criteria: Natera Variant Classification Schema (03/2026). Collection method: clinical testing. Allele origin: germline. Not counted in ClinVar's aggregate classification.
Comment: The c.481T>G variant in CFTR is a missense variant predicted to cause substitution of tyrosine to aspartic acid at amino acid 161. This variant is rare in the general population with a frequency below the threshold expected for the associated phenotype(s). This variant has been observed in one or more individuals affected with the associated recessive disease, as either homozygous or compound heterozygous with a second variant (PMID: 31523618, 30888834, 11788090). Functional studies show that this variant may disrupt protein function (PMID: 38388235). Computational prediction algorithms indicate this variant is likely to affect gene or protein function. Given the available evidence, this variant is classified as Likely Pathogenic.

GeneDx
Classification: Likely pathogenic. Last evaluated: 2025-02-06. Review status: criteria provided, single submitter. Criteria: GeneDx Variant Classification Process June 2021. Collection method: clinical testing. Allele origin: germline. Affected: yes. Not counted in ClinVar's aggregate classification.
Comment: Not observed at significant frequency in large population cohorts (gnomAD); In silico analysis supports that this missense variant has a deleterious effect on protein structure/function; This variant is associated with the following publications: (PMID: 31523618, 11788090)

Women's Health and Genetics/Laboratory Corporation of America, LabCorp
Classification: Pathogenic for Cystic fibrosis. Last evaluated: 2023-09-22. Review status: criteria provided, single submitter. Criteria: LabCorp Variant Classification Summary - May 2015. Collection method: clinical testing. Allele origin: germline. Not counted in ClinVar's aggregate classification.
Comment: Variant summary: CFTR c.481T>G (p.Tyr161Asp) results in a non-conservative amino acid change located in the ABC transporter type 1, transmembrane domain (IPR011527) of the encoded protein sequence. Five of five in-silico tools predict a damaging effect of the variant on protein function. The variant was absent in 247592 control chromosomes (gnomAD). c.481T>G has been reported in the literature in multiple individuals affected with Cystic Fibrosis (examples: Strandvik_2001, McCague_2019, Terzic_2019). These data indicate that the variant is very likely to be associated with disease. The following publications have been ascertained in the context of this evaluation (PMID: 30888834, 11788090, 31523618). One submitter (expert panel CFTR2) has cited clinical-significance assessments for this variant to ClinVar after 2014 and has classified the variant as pathogenic. Based on the evidence outlined above, the variant was classified as pathogenic.

ClinVar Staff, National Center for Biotechnology Information (NCBI)
No classification provided. Condition: CFTR-related disorders. Review status: no classification provided. Collection method: literature only. Allele origin: germline. Affected: yes. Not counted in ClinVar's aggregate classification.

Literature cited by the submitters: PubMed 31523618 (cited by Natera, Inc. and Women's Health and Genetics/Laboratory Corporation of America, LabCorp); PubMed 30888834 (cited by Natera, Inc. and Women's Health and Genetics/Laboratory Corporation of America, LabCorp); PubMed 11788090 (cited by 3 submitters); PubMed 38388235 (cited by Natera, Inc.).